The following is an entry in ClinVar:

NM_000238.4(KCNH2):c.1704G>T (p.Trp568Cys)

Gene: KCNH2 (potassium voltage-gated channel subfamily H member 2; minus strand). Cytogenetic location: 7q36.1.
Variant type: single nucleotide variant.
Coding change: c.1704G>T on transcript NM_000238.4 (MANE Select); coding-DNA position 1704, G replaced by T.
Protein change: p.Trp568Cys; replaces tryptophan 568 with cysteine.
Molecular consequence: missense variant.
Genome position (GRCh38, 1-based): chr7:150,951,689, C>A on the plus strand (G>T on the coding strand, the complement: KCNH2 is on the minus strand). VCF-style: chr7-150951689-C-A. GRCh37 (hg19) VCF-style: chr7-150648777-C-A.
Other names: c.1704G>T (LRG_288t1); c.684G>T, p.Trp228Cys (NM_001204798.2, NM_172057.3); c.1416G>T, p.Trp472Cys (NM_001406753.1, NM_001406756.1); c.1527G>T, p.Trp509Cys (NM_001406755.1); c.1404G>T, p.Trp468Cys (NM_001406757.1); c.1704G>T, p.Trp568Cys (NM_172056.3); short protein forms W228C, W568C, W509C, W468C, W472C.
Identifiers: ClinVar variation 67244 (VCV000067244.3), dbSNP rs199472926, ClinGen allele CA005206.

ClinVar aggregate classification (germline): not provided (0 of 4 stars; one submission).

Conditions:
Familial long QT syndrome (RWS). Also called: Congenital long QT syndrome; Romano-Ward syndrome; VENTRICULAR FIBRILLATION WITH PROLONGED QT INTERVAL. Identifiers: Orphanet 768, MedGen C1141890, MONDO:0019171.

Submission:

Cardiovascular Biomedical Research Unit, Royal Brompton & Harefield NHS Foundation Trust
No classification provided. Condition: Familial long QT syndrome. Review status: no classification provided. Collection method: literature only. Allele origin: germline.
Comment: This variant has been reported as associated with Long QT syndrome in the following publications (PMID:11222472;PMID:16265869;PMID:17224687;PMID:17905336). This is a literature report, and does not necessarily reflect the clinical interpretation of the Imperial College / Royal Brompton Cardiovascular Genetics laboratory.

Literature cited by the submitters: PubMed 11222472; PubMed 16265869; PubMed 17224687; PubMed 17905336; PubMed 22581653.